The following is an entry in ClinVar:

ClinVar aggregate classification (germline): Uncertain significance (1 of 4 stars; one submission).

Conditions:
Autosomal dominant nonsyndromic hearing loss 3B. Identifiers: Orphanet 90635, MedGen C2675237, MONDO:0012975, OMIM 612643.
Autosomal recessive nonsyndromic hearing loss 1A (DFNB1A). Also called: Connexin 26 deafness; Deafness nonsyndromic, Connexin 26 linked; GJB6-Related DFNB 1 Nonsyndromic Hearing Loss and Deafness; Deafness, autosomal recessive 1A; Nonsyndromic Hearing Loss and Deafness, DFNB1; GJB2-Related Autosomal Recessive Nonsyndromic Hearing Loss. Identifiers: Orphanet 90636, MedGen C2673759, MONDO:0009076, OMIM 220290.
Autosomal recessive nonsyndromic hearing loss 1B. Also called: DEAFNESS, AUTOSOMAL RECESSIVE 1B. Identifiers: Orphanet 90636, MedGen C2675235, MONDO:0012977, OMIM 612645.
Hidrotic ectodermal dysplasia syndrome (GJB6). Also called: CLOUSTON HIDROTIC ECTODERMAL DYSPLASIA; Ectodermal dysplasia 2, hidrotic; Autosomal dominant hidrotic ectodermal dysplasia; Clouston syndrome; Clouston's hidrotic ectodermal dysplasia; ECTODERMAL DYSPLASIA 2, CLOUSTON TYPE. Identifiers: Orphanet 189, MedGen C0162361, MONDO:0007510, OMIM 129500.

Submission:

Labcorp Genetics (formerly Invitae), Labcorp
Classification: Uncertain significance for Autosomal dominant nonsyndromic hearing loss 3B; Hidrotic ectodermal dysplasia syndrome; Autosomal recessive nonsyndromic hearing loss 1B; Autosomal recessive nonsyndromic hearing loss 1A. Last evaluated: 2023-04-10. Review status: criteria provided, single submitter. Criteria: Invitae Variant Classification Sherloc (09022015). Collection method: clinical testing. Allele origin: germline.
Comment: This variant has not been reported in the literature in individuals affected with GJB6-related conditions. This variant is not present in population databases (gnomAD no frequency). This sequence change replaces serine, which is neutral and polar, with tyrosine, which is neutral and polar, at codon 197 of the GJB6 protein (p.Ser197Tyr). Advanced modeling of protein sequence and biophysical properties (such as structural, functional, and spatial information, amino acid conservation, physicochemical variation, residue mobility, and thermodynamic stability) performed at Invitae indicates that this missense variant is not expected to disrupt GJB6 protein function. In summary, the available evidence is currently insufficient to determine the role of this variant in disease. Therefore, it has been classified as a Variant of Uncertain Significance.

NM_001110219.3(GJB6):c.590C>A (p.Ser197Tyr)

Gene: GJB6 (gap junction protein beta 6; minus strand). Cytogenetic location: 13q12.11.
Variant type: single nucleotide variant.
Coding change: c.590C>A on transcript NM_001110219.3 (MANE Select); coding-DNA position 590, C replaced by A.
Protein change: p.Ser197Tyr; replaces serine 197 with tyrosine.
Molecular consequence: missense variant.
Genome position (GRCh38, 1-based): chr13:20,222,891, G>T on the plus strand (C>A on the coding strand, the complement: GJB6 is on the minus strand). VCF-style: chr13-20222891-G-T. GRCh37 (hg19) VCF-style: chr13-20797030-G-T.
Other names: c.590C>A, p.Ser197Tyr (NM_001110220.3, NM_001110221.3, NM_001370090.1 and 3 more transcripts); short protein forms S197Y.
Identifiers: ClinVar variation 2927270 (VCV002927270.3), dbSNP rs2500310616, ClinGen allele CA387467703.